The following is an entry in ClinVar:

ClinVar aggregate classification (germline): Likely benign (1 of 4 stars; one submission).

gnomAD v4.1: 15 of 1,613,646 alleles (0.00093%); highest among the groups gnomAD compares: Admixed American, 0.0033%; no homozygotes.

Submission:

CeGaT Center for Human Genetics Tuebingen
Classification: Likely benign. Last evaluated: 2026-04-01. Review status: criteria provided, single submitter. Criteria: CeGaT Center For Human Genetics Tuebingen Variant Classification Criteria Version 2. Collection method: clinical testing. Allele origin: germline. Affected: yes. Observed: 1 variant allele.
Comment: WLS: BP4, BP7

NM_024911.7(WLS):c.537T>C (p.Cys179=)

Genes: GNG12-AS1 (GNG12, DIRAS3 and WLS antisense RNA 1; plus strand), WLS (Wnt ligand secretion mediator; minus strand). Cytogenetic location: 1p31.3.
Variant type: single nucleotide variant.
Coding change: c.537T>C on transcript NM_024911.7 (MANE Select); coding-DNA position 537, T replaced by C.
Protein change: p.Cys179=; no amino-acid change (cysteine 179 retained).
Molecular consequence: synonymous variant.
Genome position (GRCh38, 1-based): chr1:68,155,228, A>G on the plus strand (T>C on the coding strand, the complement: WLS is on the minus strand). VCF-style: chr1-68155228-A-G. GRCh37 (hg19) VCF-style: chr1-68620911-A-G.
Other names: c.531T>C, p.Cys177= (NM_001002292.4); c.264T>C, p.Cys88= (NM_001193334.1).
Identifiers: ClinVar variation 4874045 (VCV004874045.2).